The following is an entry in ClinVar:

ClinVar aggregate classification (germline): Likely benign (0 of 4 stars; one submission).

Conditions:
DNAJC30-related disorder. Also called: DNAJC30-related condition.

Allele frequency attached by ClinVar (database versions not stated): gnomAD exomes below 0.00001; TOPMed 0.00001; ExAC 0.00002.
gnomAD v4.1: 2 of 1,613,906 alleles (0.00012%); highest among the groups gnomAD compares: Admixed American, 0.0017%; no homozygotes.

Submission:

PreventionGenetics, part of Exact Sciences
Classification: Likely benign for DNAJC30-related condition. Last evaluated: 2022-08-02. Review status: no assertion criteria provided. Collection method: clinical testing. Allele origin: germline.
Comment: This variant is classified as likely benign based on ACMG/AMP sequence variant interpretation guidelines (Richards et al. 2015 PMID: 25741868, with internal and published modifications).

NM_032317.3(DNAJC30):c.114T>C (p.Tyr38=)

Genes: DNAJC30 (DnaJ heat shock protein family (Hsp40) member C30; minus strand), LOC129998603 (ATAC-STARR-seq lymphoblastoid active region 26127; plus strand). Cytogenetic location: 7q11.23.
Variant type: single nucleotide variant.
Coding change: c.114T>C on transcript NM_032317.3 (MANE Select); coding-DNA position 114, T replaced by C.
Protein change: p.Tyr38=; no amino-acid change (tyrosine 38 retained).
Molecular consequence: synonymous variant.
Genome position (GRCh38, 1-based): chr7:73,683,310, A>G on the plus strand (T>C on the coding strand, the complement: DNAJC30 is on the minus strand). VCF-style: chr7-73683310-A-G. GRCh37 (hg19) VCF-style: chr7-73097640-A-G.
Identifiers: ClinVar variation 3052917 (VCV003052917.2), dbSNP rs782527115, ClinGen allele CA4290002.